The following is an entry in ClinVar:

NM_001378454.1(ALMS1):c.5132T>G (p.Leu1711Ter)

Gene: ALMS1 (ALMS1 centrosome and basal body associated protein; plus strand). Cytogenetic location: 2p13.1.
Variant type: single nucleotide variant.
Coding change: c.5132T>G on transcript NM_001378454.1 (MANE Select); coding-DNA position 5132, T replaced by G.
Protein change: p.Leu1711Ter; replaces leucine 1711 with a stop codon.
Molecular consequence: nonsense.
Genome position (GRCh38, 1-based): chr2:73,451,659, T>G. VCF-style: chr2-73451659-T-G. GRCh37 (hg19) VCF-style: chr2-73678786-T-G.
Other names: c.5135T>G, p.Leu1712Ter (NM_015120.4); short protein forms L1711*, L1712*.
Identifiers: ClinVar variation 2734228 (VCV002734228.4), dbSNP rs768999961, ClinGen allele CA1713826.

ClinVar aggregate classification (germline): Pathogenic/Likely pathogenic. Review status: criteria provided, multiple submitters, no conflicts (2 of 4 stars). 2 submissions from 2 submitters: Pathogenic (1); Likely pathogenic (1). Last evaluated 2023-06-16.

Conditions:
ALMS1-related disorder. Also called: ALMS1-related condition.
Alstrom syndrome (ALMS). Identifiers: Orphanet 64, MedGen C0268425, MONDO:0008763, OMIM 203800.

Allele frequency attached by ClinVar (database versions not stated): ExAC 0.00001.

Submissions (2):

Labcorp Genetics (formerly Invitae), Labcorp
Classification: Pathogenic for Alstrom syndrome. Last evaluated: 2023-06-16. Review status: criteria provided, single submitter. Criteria: Invitae Variant Classification Sherloc (09022015). Collection method: clinical testing. Allele origin: germline.
Comment: For these reasons, this variant has been classified as Pathogenic. This premature translational stop signal has been observed in individual(s) with Alström syndrome (PMID: 25846608). This variant is present in population databases (rs768999961, gnomAD 0.0009%). This sequence change creates a premature translational stop signal (p.Leu1712*) in the ALMS1 gene. It is expected to result in an absent or disrupted protein product. Loss-of-function variants in ALMS1 are known to be pathogenic (PMID: 17594715).

Blueprint Genetics
Classification: Likely pathogenic for ALMS1-related disorders. Last evaluated: 2021-10-18. Review status: criteria provided, single submitter. Criteria: ACMG Guidelines, 2015. Collection method: clinical testing. Allele origin: germline. Affected: yes. Observed: 1 variant allele.

Literature cited by the submitters: PubMed 25846608 (cited by Labcorp Genetics (formerly Invitae), Labcorp); PubMed 17594715 (cited by Labcorp Genetics (formerly Invitae), Labcorp).